The following is an entry in ClinVar:

NM_006231.4(POLE):c.6328A>G (p.Lys2110Glu)

Gene: POLE (DNA polymerase epsilon, catalytic subunit; minus strand). Cytogenetic location: 12q24.33.
Variant type: single nucleotide variant.
Coding change: c.6328A>G on transcript NM_006231.4 (MANE Select); coding-DNA position 6328, A replaced by G.
Protein change: p.Lys2110Glu; replaces lysine 2110 with glutamic acid.
Molecular consequence: missense variant.
Genome position (GRCh38, 1-based): chr12:132,632,317, T>C on the plus strand (A>G on the coding strand, the complement: POLE is on the minus strand). VCF-style: chr12-132632317-T-C. GRCh37 (hg19) VCF-style: chr12-133208903-T-C.
Other names: short protein forms K2110E.
Identifiers: ClinVar variation 240590 (VCV000240590.27), dbSNP rs746736600, ClinGen allele CA6892224.
Genomic context (GRCh38, chr12:132,632,317, plus strand): 5'-TCTCGCCTTACACATGTACGTTAGTGTCCTCTCCTCACACGCACGCTGGCACTCTCACCT[T>C]GCACACGTATTTGATGAACTCCAGGGCAGGGTTATTGAGCAGCAAGTGGGAACCGGGGAG-3'
Protein context (NP_006222.2, residues 2100-2120): PALEFIKYVC[Lys2110Glu]VLSLDTNITN

ClinVar aggregate classification (germline): Conflicting classifications of pathogenicity. Review status: criteria provided, conflicting classifications (1 of 4 stars). 6 submissions from 6 submitters: Uncertain significance (5); Likely benign (1). Last evaluated 2026-01-31.

Conditions:
Hereditary cancer-predisposing syndrome. Also called: Tumor predisposition; Neoplastic Syndromes, Hereditary; Hereditary Cancer Syndrome; Hereditary neoplastic syndrome. Identifiers: Orphanet 140162, MedGen C0027672, MeSH D009386, MONDO:0015356.

Allele frequency attached by ClinVar (database versions not stated): ExAC 0.00001; gnomAD 0.00002; gnomAD exomes 0.00002; TOPMed 0.00003.
gnomAD v4.1: 32 of 1,613,362 alleles (0.002%); highest among the groups gnomAD compares: Non-Finnish European, 0.0025%; no homozygotes.

Submissions (6):

Labcorp Genetics (formerly Invitae), Labcorp
Classification: Uncertain significance. Last evaluated: 2026-01-31. Review status: criteria provided, single submitter. Criteria: Invitae Variant Classification Sherloc (09022015). Collection method: clinical testing. Allele origin: germline.
Comment: This sequence change replaces lysine, which is basic and polar, with glutamic acid, which is acidic and polar, at codon 2110 of the POLE protein (p.Lys2110Glu). This variant is present in population databases (rs746736600, gnomAD 0.005%). This variant has not been reported in the literature in individuals affected with POLE-related conditions. ClinVar contains an entry for this variant (Variation ID: 240590). Experimental studies and prediction algorithms are not available or were not evaluated, and the functional significance of this variant is currently unknown. In summary, the available evidence is currently insufficient to determine the role of this variant in disease. Therefore, it has been classified as a Variant of Uncertain Significance.

Ambry Genetics
Classification: Likely benign for Hereditary cancer-predisposing syndrome. Last evaluated: 2025-03-12. Review status: criteria provided, single submitter. Criteria: Ambry Variant Classification Scheme 2023. Collection method: clinical testing. Allele origin: germline.

Center for Genomic Medicine, Rigshospitalet, Copenhagen University Hospital
Classification: Uncertain significance. Last evaluated: 2025-03-04. Review status: criteria provided, single submitter. Criteria: ACMG Guidelines, 2015. Collection method: clinical testing. Allele origin: germline.

GeneDx
Classification: Uncertain significance. Last evaluated: 2023-09-05. Review status: criteria provided, single submitter. Criteria: GeneDx Variant Classification Process June 2021. Collection method: clinical testing. Allele origin: germline. Affected: yes.
Comment: Not observed at significant frequency in large population cohorts (gnomAD); In silico analysis supports that this missense variant does not alter protein structure/function; Has not been previously published as pathogenic or benign to our knowledge

Genetic Services Laboratory, University of Chicago
Classification: Uncertain significance. Last evaluated: 2018-07-12. Review status: criteria provided, single submitter. Criteria: ACMG Guidelines, 2015. Collection method: clinical testing. Allele origin: germline. Affected: no.

Quest Diagnostics Nichols Institute San Juan Capistrano
Classification: Uncertain significance. Last evaluated: 2017-11-15. Review status: criteria provided, single submitter. Criteria: Quest Diagnostics criteria. Collection method: clinical testing. Allele origin: germline.